The following is an entry in ClinVar:

ClinVar aggregate classification (germline): Uncertain significance. Review status: criteria provided, multiple submitters, no conflicts (2 of 4 stars). 2 submissions from 2 submitters: Uncertain significance (2). Last evaluated 2023-03-28.

Conditions:
Hereditary cancer-predisposing syndrome. Also called: Hereditary Cancer Syndrome; Hereditary neoplastic syndrome; Neoplastic Syndromes, Hereditary; Tumor predisposition. Identifiers: Orphanet 140162, MedGen C0027672, MeSH D009386, MONDO:0015356.
Breast-ovarian cancer, familial, susceptibility to, 2 (BROVCA2). Also called: BRCA2 Hereditary Breast and Ovarian Cancer. Identifiers: Orphanet 145, MedGen C2675520, MONDO:0012933, OMIM 612555. Disease mechanism: loss of function.

Submissions (2):

All of Us Research Program, National Institutes of Health
Classification: Uncertain significance for Breast-ovarian cancer, familial, susceptibility to, 2. Last evaluated: 2023-03-28. Review status: criteria provided, single submitter. Criteria: ACMG Guidelines, 2015. Collection method: clinical testing. Allele origin: germline. Inheritance: Autosomal dominant inheritance. Observed: 1 variant allele, 1 heterozygote.
Comment: This missense variant replaces alanine with threonine at codon 3297 of the BRCA2 protein. Computational prediction tool suggests that this variant may not impact protein structure and function (internally defined REVEL score threshold <=0.5, PMID: 27666373). Splice site prediction tools suggest that this variant may not impact RNA splicing. To our knowledge, functional studies have not been performed for this variant. This variant has not been reported in individuals affected with hereditary cancer in the literature. This variant has not been identified in the general population by the Genome Aggregation Database (gnomAD). The available evidence is insufficient to determine the role of this variant in disease conclusively. Therefore, this variant is classified as a Variant of Uncertain Significance.

This study involves interpretation of variants in research participants for the purpose of population health screening. Participant phenotype was not available at the time of variant classification. Additional details can be found in publication PMID: 35346344, PMCID: PMC8962531

Color Diagnostics, LLC DBA Color Health
Classification: Uncertain significance for Hereditary cancer-predisposing syndrome. Last evaluated: 2020-01-14. Review status: criteria provided, single submitter. Criteria: ACMG Guidelines, 2015. Collection method: clinical testing. Allele origin: germline.
Comment: This missense variant replaces alanine with threonine at codon 3297 of the BRCA2 protein. Computational prediction tool suggests that this variant may not impact protein structure and function (internally defined REVEL score threshold ≤0.5, PMID: 27666373). Splice site prediction tools suggest that this variant may not impact RNA splicing. To our knowledge, functional studies have not been performed for this variant. This variant has not been reported in individuals affected with hereditary cancer in the literature. This variant has not been identified in the general population by the Genome Aggregation Database (gnomAD). The available evidence is insufficient to determine the role of this variant in disease conclusively. Therefore, this variant is classified as a Variant of Uncertain Significance.

NM_000059.4(BRCA2):c.9889G>A (p.Ala3297Thr)

Gene: BRCA2 (BRCA2 DNA repair associated; plus strand). Cytogenetic location: 13q13.1.
Variant type: single nucleotide variant.
Coding change: c.9889G>A on transcript NM_000059.4 (MANE Select); coding-DNA position 9889, G replaced by A.
Protein change: p.Ala3297Thr; replaces alanine 3297 with threonine.
Molecular consequence: missense variant.
Genome position (GRCh38, 1-based): chr13:32,398,402, G>A. VCF-style: chr13-32398402-G-A. GRCh37 (hg19) VCF-style: chr13-32972539-G-A.
Other names: short protein forms A3297T.
Identifiers: ClinVar variation 922732 (VCV000922732.4), dbSNP rs1555289995, ClinGen allele CA387766786.
Genomic context (GRCh38, chr13:32,398,402, plus strand): 5'-CTGCCTTTACCTCCACCTGTTAGTCCCATTTGTACATTTGTTTCTCCGGCTGCACAGAAG[G>A]CATTTCAGCCACCAAGGAGTTGTGGCACCAAATACGAAACACCCATAAAGAAAAAAGAAC-3'
Protein context (NP_000050.3, residues 3287-3307): CTFVSPAAQK[Ala3297Thr]FQPPRSCGTK